The following is an entry in ClinVar:

NM_002519.3(NPAT):c.2887A>T (p.Thr963Ser)

Gene: NPAT (nuclear protein, coactivator of histone transcription; minus strand). Cytogenetic location: 11q22.3.
Variant type: single nucleotide variant.
Coding change: c.2887A>T on transcript NM_002519.3 (MANE Select); coding-DNA position 2887, A replaced by T.
Protein change: p.Thr963Ser; replaces threonine 963 with serine.
Molecular consequence: missense variant.
Genome position (GRCh38, 1-based): chr11:108,169,942, T>A on the plus strand (A>T on the coding strand, the complement: NPAT is on the minus strand). VCF-style: chr11-108169942-T-A. GRCh37 (hg19) VCF-style: chr11-108040669-T-A.
Other names: c.2887A>T, p.Thr963Ser (NM_001321307.1); short protein forms T963S.
Identifiers: ClinVar variation 1797233 (VCV001797233.2), dbSNP rs777925424, ClinGen allele CA382512017.

ClinVar aggregate classification (germline): Uncertain significance (1 of 4 stars; one submission).

Submission:

Ambry Genetics
Classification: Uncertain significance. Last evaluated: 2022-09-09. Review status: criteria provided, single submitter. Criteria: Ambry Variant Classification Scheme 2023. Collection method: clinical testing. Allele origin: germline.
Comment: The p.T963S variant (also known as c.2887A>T), located in coding exon 14 of the NPAT gene, results from an A to T substitution at nucleotide position 2887. The threonine at codon 963 is replaced by serine, an amino acid with similar properties. This amino acid position is conserved. In addition, this alteration is predicted to be tolerated by in silico analysis. Since supporting evidence is limited at this time, the clinical significance of this alteration remains unclear.